The following is an entry in ClinVar:

NM_001080.3(ALDH5A1):c.410A>T (p.Asp137Val)

Gene: ALDH5A1 (aldehyde dehydrogenase 5 family member A1; plus strand). Cytogenetic location: 6p22.3.
Variant type: single nucleotide variant.
Coding change: c.410A>T on transcript NM_001080.3 (MANE Select); coding-DNA position 410, A replaced by T.
Protein change: p.Asp137Val; replaces aspartic acid 137 with valine.
Molecular consequence: missense variant.
Genome position (GRCh38, 1-based): chr6:24,502,578, A>T. VCF-style: chr6-24502578-A-T. GRCh37 (hg19) VCF-style: chr6-24502806-A-T.
Other names: c.410A>T, p.Asp137Val (NM_001368954.1, NM_170740.1); short protein forms D137V.
Identifiers: ClinVar variation 1346442 (VCV001346442.8), dbSNP rs2127382180, ClinGen allele CA362969235.

ClinVar aggregate classification (germline): Uncertain significance (1 of 4 stars; one submission).

Conditions:
Succinate-semialdehyde dehydrogenase deficiency (SSADHD). Also called: 4-HYDROXYBUTYRIC ACIDURIA; Succinic Semialdehyde Dehydrogenase Deficiency; SSADH DEFICIENCY; GABA METABOLIC DEFECT. Identifiers: Orphanet 22, MedGen C0268631, MONDO:0010083, OMIM 271980.

Submission:

Labcorp Genetics (formerly Invitae), Labcorp
Classification: Uncertain significance for Succinate-semialdehyde dehydrogenase deficiency. Last evaluated: 2021-04-17. Review status: criteria provided, single submitter. Criteria: Invitae Variant Classification Sherloc (09022015). Collection method: clinical testing. Allele origin: germline.
Comment: In summary, the available evidence is currently insufficient to determine the role of this variant in disease. Therefore, it has been classified as a Variant of Uncertain Significance. Advanced modeling of protein sequence and biophysical properties (such as structural, functional, and spatial information, amino acid conservation, physicochemical variation, residue mobility, and thermodynamic stability) performed at Invitae indicates that this missense variant is expected to disrupt ALDH5A1 protein function. This variant has not been reported in the literature in individuals with ALDH5A1-related conditions. This variant is not present in population databases (ExAC no frequency). This sequence change replaces aspartic acid with valine at codon 137 of the ALDH5A1 protein (p.Asp137Val). The aspartic acid residue is moderately conserved and there is a large physicochemical difference between aspartic acid and valine.